The following is an entry in ClinVar:

NM_001040716.2(PC):c.2128G>A (p.Val710Met)

Gene: PC (pyruvate carboxylase; minus strand). Cytogenetic location: 11q13.2.
Variant type: single nucleotide variant.
Coding change: c.2128G>A on transcript NM_001040716.2 (MANE Select); coding-DNA position 2128, G replaced by A.
Protein change: p.Val710Met; replaces valine 710 with methionine.
Molecular consequence: missense variant.
Genome position (GRCh38, 1-based): chr11:66,851,135, C>T on the plus strand (G>A on the coding strand, the complement: PC is on the minus strand). VCF-style: chr11-66851135-C-T. GRCh37 (hg19) VCF-style: chr11-66618606-C-T.
Other names: c.2128G>A, p.Val710Met (NM_000920.4, NM_022172.3); c.2128G>A (NM_000920.3); short protein forms V710M.
Identifiers: ClinVar variation 1486805 (VCV001486805.5), dbSNP rs749176333, ClinGen allele CA6131168.

ClinVar aggregate classification (germline): Uncertain significance. Review status: criteria provided, multiple submitters, no conflicts (2 of 4 stars). 2 submissions from 2 submitters: Uncertain significance (2). Last evaluated 2024-05-21.

Conditions:
Pyruvate carboxylase deficiency. Also called: ATAXIA WITH LACTIC ACIDOSIS II; Pyruvate Carboxylase Deficiency Disease; LEIGH NECROTIZING ENCEPHALOPATHY DUE TO PYRUVATE CARBOXYLASE DEFICIENCY; PC DEFICIENCY; LEIGH SYNDROME DUE TO PYRUVATE CARBOXYLASE DEFICIENCY. Identifiers: Orphanet 3008, MedGen C0034341, MONDO:0009949, OMIM 266150.
Inborn genetic diseases. Identifiers: MedGen C0950123, MeSH D030342.

Allele frequency attached by ClinVar (database versions not stated): gnomAD exomes 0.00001; ExAC 0.00002; gnomAD 0.00003; TOPMed 0.00003.
gnomAD v4.1: 26 of 1,612,534 alleles (0.0016%); highest among the groups gnomAD compares: African/African-American, 0.0053%; no homozygotes.

Submissions (2):

Ambry Genetics
Classification: Uncertain significance for Inborn genetic diseases. Last evaluated: 2024-05-21. Review status: criteria provided, single submitter. Criteria: Ambry Variant Classification Scheme 2023. Collection method: clinical testing. Allele origin: germline.

Labcorp Genetics (formerly Invitae), Labcorp
Classification: Uncertain significance for Pyruvate carboxylase deficiency. Last evaluated: 2022-10-05. Review status: criteria provided, single submitter. Criteria: Invitae Variant Classification Sherloc (09022015). Collection method: clinical testing. Allele origin: germline.
Comment: This sequence change replaces valine, which is neutral and non-polar, with methionine, which is neutral and non-polar, at codon 710 of the PC protein (p.Val710Met). This variant is present in population databases (rs749176333, gnomAD 0.008%). This variant has not been reported in the literature in individuals affected with PC-related conditions. ClinVar contains an entry for this variant (Variation ID: 1486805). Advanced modeling of protein sequence and biophysical properties (such as structural, functional, and spatial information, amino acid conservation, physicochemical variation, residue mobility, and thermodynamic stability) has been performed at Invitae for this missense variant, however the output from this modeling did not meet the statistical confidence thresholds required to predict the impact of this variant on PC protein function. In summary, the available evidence is currently insufficient to determine the role of this variant in disease. Therefore, it has been classified as a Variant of Uncertain Significance.